The following is an entry in ClinVar:

NM_138413.4(HOGA1):c.832G>A (p.Ala278Thr)

Gene: HOGA1 (4-hydroxy-2-oxoglutarate aldolase 1; plus strand). Cytogenetic location: 10q24.2.
Variant type: single nucleotide variant.
Coding change: c.832G>A on transcript NM_138413.4 (MANE Select); coding-DNA position 832, G replaced by A.
Protein change: p.Ala278Thr; replaces alanine 278 with threonine.
Molecular consequence: missense variant.
Genome position (GRCh38, 1-based): chr10:97,601,988, G>A. VCF-style: chr10-97601988-G-A. GRCh37 (hg19) VCF-style: chr10-99361745-G-A.
Other names: c.343G>A, p.Ala115Thr (NM_001134670.2); short protein forms A115T, A278T.
Identifiers: ClinVar variation 834498 (VCV000834498.4), dbSNP rs748335042, ClinGen allele CA5634255.

ClinVar aggregate classification (germline): Uncertain significance. Review status: criteria provided, single submitter (1 of 4 stars). 2 submissions from 2 submitters: Uncertain significance (1). 1 of the submissions does not count toward it. Last evaluated 2021-08-13.

Conditions:
Primary hyperoxaluria type 3. Also called: PH III. Identifiers: Orphanet 416, Orphanet 93600, MedGen C3150878, MONDO:0013327, OMIM 613616. Disease mechanism: loss of function.

Allele frequency attached by ClinVar (database versions not stated): ExAC 0.00001; gnomAD 0.00001; gnomAD exomes 0.00001; TOPMed 0.00001.
gnomAD v4.1: 9 of 1,611,542 alleles (0.00056%); highest among the groups gnomAD compares: African/African-American, 0.0013%; no homozygotes.

Submissions (2):

Labcorp Genetics (formerly Invitae), Labcorp
Classification: Uncertain significance. Last evaluated: 2021-08-13. Review status: criteria provided, single submitter. Criteria: Invitae Variant Classification Sherloc (09022015). Collection method: clinical testing. Allele origin: germline.
Comment: This sequence change replaces alanine with threonine at codon 278 of the HOGA1 protein (p.Ala278Thr). The alanine residue is highly conserved and there is a small physicochemical difference between alanine and threonine. This variant is present in population databases (rs748335042, ExAC 0.002%). This variant has not been reported in the literature in individuals affected with HOGA1-related conditions. Algorithms developed to predict the effect of missense changes on protein structure and function (SIFT, PolyPhen-2, Align-GVGD) all suggest that this variant is likely to be disruptive. In summary, the available evidence is currently insufficient to determine the role of this variant in disease. Therefore, it has been classified as a Variant of Uncertain Significance.

Natera, Inc.
Classification: Uncertain significance for Primary hyperoxaluria type III. Last evaluated: 2020-09-16. Review status: no assertion criteria provided. Collection method: clinical testing. Allele origin: germline. Not counted in ClinVar's aggregate classification.